The following is an entry in ClinVar:

NM_001127178.3(PIGG):c.1528G>A (p.Gly510Arg)

Gene: PIGG (phosphatidylinositol glycan anchor biosynthesis class G (EMM blood group); plus strand). Cytogenetic location: 4p16.3.
Variant type: single nucleotide variant.
Coding change: c.1528G>A on transcript NM_001127178.3 (MANE Select); coding-DNA position 1528, G replaced by A.
Protein change: p.Gly510Arg; replaces glycine 510 with arginine.
Molecular consequence: missense variant. On other transcripts: 3 prime UTR variant (2), 5 prime UTR variant (2), non-coding transcript variant (10).
Genome position (GRCh38, 1-based): chr4:521,855, G>A. VCF-style: chr4-521855-G-A. GRCh37 (hg19) VCF-style: chr4-515644-G-A.
Other names: c.1261G>A, p.Gly421Arg (NM_001289051.2, NM_001289053.2, NM_001345986.2); c.1129G>A, p.Gly377Arg (NM_001289052.2); c.*90G>A (NM_001289055.2); c.*143G>A (NM_001289057.2); c.1237G>A, p.Gly413Arg (NM_001345987.2); c.499G>A, p.Gly167Arg (NM_001345988.2); c.1528G>A, p.Gly510Arg (NM_001345989.2); c.-6G>A (NM_001345990.2, NM_001345991.2); and 2 more; short protein forms G510R, G502R, G413R, G421R, G144R, G167R, G377R.
Identifiers: ClinVar variation 572170 (VCV000572170.10), dbSNP rs1560334774, ClinGen allele CA355904904.

ClinVar aggregate classification (germline): Uncertain significance (1 of 4 stars; one submission).

Conditions:
Intellectual disability, autosomal recessive 53 (NEDHSCA). Also called: GLYCOSYLPHOSPHATIDYLINOSITOL BIOSYNTHESIS DEFECT 13; Mental retardation, autosomal recessive 53; NEURODEVELOPMENTAL DISORDER WITH OR WITHOUT HYPOTONIA, SEIZURES, AND CEREBELLAR ATROPHY. Identifiers: MedGen C4310794, MONDO:0014832, OMIM 616917, Orphanet 488635.

Allele frequency attached by ClinVar (database versions not stated): gnomAD exomes 0.00001.
gnomAD v4.1: 8 of 1,614,212 alleles (0.0005%); highest among the groups gnomAD compares: East Asian, 0.016%; no homozygotes.

Submission:

Labcorp Genetics (formerly Invitae), Labcorp
Classification: Uncertain significance for Intellectual disability, autosomal recessive 53. Last evaluated: 2018-11-21. Review status: criteria provided, single submitter. Criteria: Invitae Variant Classification Sherloc (09022015). Collection method: clinical testing. Allele origin: germline.
Comment: This sequence change replaces glycine with arginine at codon 510 of the PIGG protein (p.Gly510Arg). The glycine residue is weakly conserved and there is a moderate physicochemical difference between glycine and arginine. This variant is not present in population databases (ExAC no frequency). This variant has not been reported in the literature in individuals with PIGG-related disease. Algorithms developed to predict the effect of missense changes on protein structure and function do not agree on the potential impact of this missense change (SIFT: "Tolerated"; PolyPhen-2: "Possibly Damaging"; Align-GVGD: "Class C0"). In summary, the available evidence is currently insufficient to determine the role of this variant in disease. Therefore, it has been classified as a Variant of Uncertain Significance.